The following is an entry in ClinVar:

ClinVar aggregate classification (germline): Uncertain significance. Review status: criteria provided, multiple submitters, no conflicts (2 of 4 stars). 2 submissions from 2 submitters: Uncertain significance (2). Last evaluated 2025-05-06.

Conditions:
Early-infantile DEE. Also called: Ohtahara syndrome; Early infantile epileptic encephalopathy with suppression bursts; Early infantile epileptic encephalopathy. Identifiers: Orphanet 1934, MedGen C0393706, MONDO:0800491.

Submissions (2):

Labcorp Genetics (formerly Invitae), Labcorp
Classification: Uncertain significance for Early-infantile DEE. Last evaluated: 2025-05-06. Review status: criteria provided, single submitter. Criteria: Invitae Variant Classification Sherloc (09022015). Collection method: clinical testing. Allele origin: germline.
Comment: This sequence change replaces phenylalanine, which is neutral and non-polar, with leucine, which is neutral and non-polar, at codon 574 of the SCN8A protein (p.Phe574Leu). This variant is not present in population databases (gnomAD no frequency). This variant has not been reported in the literature in individuals affected with SCN8A-related conditions. ClinVar contains an entry for this variant (Variation ID: 2867110). Invitae Evidence Modeling of protein sequence and biophysical properties (such as structural, functional, and spatial information, amino acid conservation, physicochemical variation, residue mobility, and thermodynamic stability) indicates that this missense variant is not expected to disrupt SCN8A protein function with a negative predictive value of 95%. In summary, the available evidence is currently insufficient to determine the role of this variant in disease. Therefore, it has been classified as a Variant of Uncertain Significance.

GeneDx
Classification: Uncertain significance. Last evaluated: 2024-02-13. Review status: criteria provided, single submitter. Criteria: GeneDx Variant Classification Process June 2021. Collection method: clinical testing. Allele origin: germline. Affected: yes.
Comment: Not observed at significant frequency in large population cohorts (gnomAD); In silico analysis supports that this missense variant does not alter protein structure/function; This substitution is predicted to be in the cytoplasmic loop between the first and second homologous domains; Has not been previously published as pathogenic or benign to our knowledge

NM_001330260.2(SCN8A):c.1722C>G (p.Phe574Leu)

Gene: SCN8A (sodium voltage-gated channel alpha subunit 8; plus strand). Cytogenetic location: 12q13.13.
Variant type: single nucleotide variant.
Coding change: c.1722C>G on transcript NM_001330260.2 (MANE Select); coding-DNA position 1722, C replaced by G.
Protein change: p.Phe574Leu; replaces phenylalanine 574 with leucine.
Molecular consequence: missense variant.
Genome position (GRCh38, 1-based): chr12:51,721,632, C>G. VCF-style: chr12-51721632-C-G. GRCh37 (hg19) VCF-style: chr12-52115416-C-G.
Other names: c.1722C>G (NM_014191.3); c.1722C>G, p.Phe574Leu (NM_001177984.3, NM_001369788.1, NM_014191.4); short protein forms F574L.
Identifiers: ClinVar variation 2867110 (VCV002867110.4), dbSNP rs1346633233, ClinGen allele CA385229444.